The following is an entry in ClinVar:

ClinVar aggregate classification (germline): Conflicting classifications of pathogenicity. Review status: criteria provided, conflicting classifications (1 of 4 stars). 4 submissions from 2 submitters: Uncertain significance (1); Likely benign (3). Last evaluated 2024-11-18.

Conditions:
Orofacial cleft 8. Also called: Cleft lip with or without cleft palate, nonsyndromic, 8. Identifiers: MedGen C1851878, MONDO:0029145, OMIM 618149.
TP63-Related Spectrum Disorders.
Ectrodactyly, ectodermal dysplasia, and cleft lip-palate syndrome 3. Also called: Ectrodactyly, Ectodermal Dysplasia, Clefting Syndrome; EEC SYNDROME 3; Ectrodactyly, Ectodermal Dysplasia, Clefting Syndrome Type 3 (EEC3); Ectrodactyly, Ectodermal Dysplasia, Cleft Lip/Palate Syndrome 3 (EEC3). Identifiers: Orphanet 1896, MedGen C1858562, MONDO:0011428, OMIM 604292.

Allele frequency attached by ClinVar (database versions not stated): gnomAD exomes 0.00001; ExAC 0.00002; TOPMed 0.00003; gnomAD 0.00004; ESP Exome Variant Server 0.00015.
gnomAD v4.1: 24 of 1,614,028 alleles (0.0015%); highest among the groups gnomAD compares: Non-Finnish European, 0.002%; no homozygotes.

Submissions (4):

Labcorp Genetics (formerly Invitae), Labcorp
Classification: Likely benign. Last evaluated: 2024-11-18. Review status: criteria provided, single submitter. Criteria: Invitae Variant Classification Sherloc (09022015). Collection method: clinical testing. Allele origin: germline.

Illumina Laboratory Services, Illumina
Classification: Likely benign for TP63-Related Spectrum Disorders. Last evaluated: 2018-01-13. Review status: criteria provided, single submitter. Criteria: ICSL Variant Classification Criteria 13 December 2019. Collection method: clinical testing. Allele origin: germline.
Comment: This variant was observed in the ICSL laboratory as part of a predisposition screen in an ostensibly healthy population. It had not been previously curated by ICSL or reported in the Human Gene Mutation Database (HGMD: prior to June 1st, 2018), and was therefore a candidate for classification through an automated scoring system. Utilizing variant allele frequency, disease prevalence and penetrance estimates, and inheritance mode, an automated score was calculated to assess if this variant is too frequent to cause the disease. Based on the score and internal cut-off values, a variant classified as likely benign is not then subjected to further curation. The score for this variant resulted in a classification of likely benign for this disease.

Illumina Laboratory Services, Illumina
Classification: Uncertain significance for Orofacial cleft 8. Last evaluated: 2018-01-13. Review status: criteria provided, single submitter. Criteria: ICSL Variant Classification Criteria 13 December 2019. Collection method: clinical testing. Allele origin: germline.

Illumina Laboratory Services, Illumina
Classification: Likely benign for Ectrodactyly, ectodermal dysplasia, and cleft lip-palate syndrome 3. Last evaluated: 2018-01-13. Review status: criteria provided, single submitter. Criteria: ICSL Variant Classification Criteria 13 December 2019. Collection method: clinical testing. Allele origin: germline.
Comment: the same text as in the submission from Illumina Laboratory Services, Illumina above.

NM_003722.5(TP63):c.1374A>G (p.Ser458=)

Gene: TP63 (tumor protein p63; plus strand). Cytogenetic location: 3q28.
Variant type: single nucleotide variant.
Coding change: c.1374A>G on transcript NM_003722.5 (MANE Select); coding-DNA position 1374, A replaced by G.
Protein change: p.Ser458=; no amino-acid change (serine 458 retained).
Molecular consequence: synonymous variant.
Genome position (GRCh38, 1-based): chr3:189,886,418, A>G. VCF-style: chr3-189886418-A-G. GRCh37 (hg19) VCF-style: chr3-189604207-A-G.
Other names: c.1374A>G, p.Ser458= (NM_001114978.2, NM_001329144.2); c.1092A>G, p.Ser364= (NM_001114980.2, NM_001114981.2, NM_001329145.2); c.837A>G, p.Ser279= (NM_001329146.2); c.1362A>G, p.Ser454= (NM_001329148.2); c.1080A>G, p.Ser360= (NM_001329149.2); c.825A>G, p.Ser275= (NM_001329150.2); c.1368A>G, p.Ser456= (NM_001329964.2).
Identifiers: ClinVar variation 344387 (VCV000344387.10), dbSNP rs141794685, ClinGen allele CA2752475.
Genomic context (GRCh38, chr3:189,886,418, plus strand): 5'-CCTTGCTCACCATTATTTCCATGTTTGTCTTCCTAGGACCTCAATACAGTCTCCATCTTC[A>G]TATGGTAACAGCTCCCCACCTCTGAACAAAATGAACAGCATGAACAAGCTGCCTTCTGTG-3'
Protein context (NP_003713.3, residues 448-468): QKQTSIQSPS[Ser458=]YGNSSPPLNK